The following is an entry in ClinVar:

ClinVar aggregate classification (germline): Uncertain significance (1 of 4 stars; one submission).

Allele frequency attached by ClinVar (database versions not stated): gnomAD exomes 0.00001.
gnomAD v4.1: 3 of 1,614,106 alleles (0.00019%); highest among the groups gnomAD compares: East Asian, 0.0067%; no homozygotes.

Submission:

Ambry Genetics
Classification: Uncertain significance. Last evaluated: 2022-05-01. Review status: criteria provided, single submitter. Criteria: Ambry Variant Classification Scheme 2023. Collection method: clinical testing. Allele origin: germline.
Comment: The p.V577F variant (also known as c.1729G>T), located in coding exon 11 of the POLQ gene, results from a G to T substitution at nucleotide position 1729. The valine at codon 577 is replaced by phenylalanine, an amino acid with highly similar properties. This amino acid position is conserved. In addition, this alteration is predicted to be tolerated by in silico analysis. Since supporting evidence is limited at this time, the clinical significance of this alteration remains unclear.

NM_199420.4(POLQ):c.1729G>T (p.Val577Phe)

Gene: POLQ (DNA polymerase theta; minus strand). Cytogenetic location: 3q13.33.
Variant type: single nucleotide variant.
Coding change: c.1729G>T on transcript NM_199420.4 (MANE Select); coding-DNA position 1729, G replaced by T.
Protein change: p.Val577Phe; replaces valine 577 with phenylalanine.
Molecular consequence: missense variant.
Genome position (GRCh38, 1-based): chr3:121,510,126, C>A on the plus strand (G>T on the coding strand, the complement: POLQ is on the minus strand). VCF-style: chr3-121510126-C-A. GRCh37 (hg19) VCF-style: chr3-121228973-C-A.
Other names: short protein forms V577F.
Identifiers: ClinVar variation 1778928 (VCV001778928.2), dbSNP rs2048242213, ClinGen allele CA354114766.